The following is an entry in ClinVar:

ClinVar aggregate classification (germline): Likely benign. Review status: criteria provided, multiple submitters, no conflicts (2 of 4 stars). 2 submissions from 2 submitters: Likely benign (2). Last evaluated 2025-12-20.

Conditions:
Tuberous sclerosis 1 (TSC1). Identifiers: Orphanet 805, MedGen C1854465, MONDO:0008612, OMIM 191100.

Allele frequency attached by ClinVar (database versions not stated): gnomAD exomes below 0.00001 and 0.00001; ExAC 0.00001; gnomAD 0.00001; TOPMed 0.00001.
gnomAD v4.1: 4 of 1,613,332 alleles (0.00025%); highest among the groups gnomAD compares: African/African-American, 0.0027%; no homozygotes.

Submissions (2):

Labcorp Genetics (formerly Invitae), Labcorp
Classification: Likely benign for Tuberous sclerosis 1. Last evaluated: 2025-12-20. Review status: criteria provided, single submitter. Criteria: Invitae Variant Classification Sherloc (09022015). Collection method: clinical testing. Allele origin: germline.

Myriad Genetics, Inc.
Classification: Likely benign for Tuberous sclerosis 1. Last evaluated: 2025-04-29. Review status: criteria provided, single submitter. Criteria: Myriad Autosomal Dominant, Autosomal Recessive and X-Linked Classification Criteria (2023). Collection method: clinical testing. Allele origin: unknown.
Comment: This variant is considered likely benign. This variant is intronic and is not expected to impact mRNA splicing.

NM_000368.5(TSC1):c.2976-16C>T

Gene: TSC1 (TSC complex subunit 1; minus strand). Cytogenetic location: 9q34.13.
Variant type: single nucleotide variant.
Coding change: c.2976-16C>T on transcript NM_000368.5 (MANE Select); 16 bases into the intron before coding-DNA position 2976, C replaced by T.
Molecular consequence: intron variant.
Genome position (GRCh38, 1-based): chr9:132,896,770, G>A on the plus strand (C>T on the coding strand, the complement: TSC1 is on the minus strand). VCF-style: chr9-132896770-G-A. GRCh37 (hg19) VCF-style: chr9-135772157-G-A.
Other names: c.2613-16C>T (NM_001362177.2); c.2823-16C>T (NM_001162427.2); c.2973-16C>T (NM_001162426.2).
Identifiers: ClinVar variation 1669325 (VCV001669325.9), dbSNP rs759106092, ClinGen allele CA035289.